The following is an entry in ClinVar:

ClinVar aggregate classification (germline): Uncertain significance (1 of 4 stars; one submission).

Conditions:
Methylcobalamin deficiency type cblG (HMAG). Also called: HOMOCYSTINURIA-MEGALOBLASTIC ANEMIA, cblG TYPE; HOMOCYSTINURIA-MEGALOBLASTIC ANEMIA, cblG COMPLEMENTATION TYPE; HOMOCYSTINURIA-MEGALOBLASTIC ANEMIA DUE TO DEFECT IN COBALAMIN METABOLISM, cblG COMPLEMENTATION TYPE; Functional methionine synthase deficiency type cblG. Identifiers: Orphanet 2170, Orphanet 622, MedGen C1855128, MONDO:0009609, OMIM 250940.

Allele frequency attached by ClinVar (database versions not stated): gnomAD exomes below 0.00001 and 0.00001; gnomAD 0.00001; TOPMed 0.00002.
gnomAD v4.1: 21 of 1,614,024 alleles (0.0013%); highest among the groups gnomAD compares: East Asian, 0.011%; no homozygotes.

Submission:

Labcorp Genetics (formerly Invitae), Labcorp
Classification: Uncertain significance for Methylcobalamin deficiency type cblG. Last evaluated: 2022-09-28. Review status: criteria provided, single submitter. Criteria: Invitae Variant Classification Sherloc (09022015). Collection method: clinical testing. Allele origin: germline.
Comment: This sequence change replaces arginine, which is basic and polar, with glutamine, which is neutral and polar, at codon 116 of the MTR protein (p.Arg116Gln). This variant is present in population databases (no rsID available, gnomAD 0.005%). This variant has not been reported in the literature in individuals affected with MTR-related conditions. ClinVar contains an entry for this variant (Variation ID: 1062040). Advanced modeling of protein sequence and biophysical properties (such as structural, functional, and spatial information, amino acid conservation, physicochemical variation, residue mobility, and thermodynamic stability) performed at Invitae indicates that this missense variant is not expected to disrupt MTR protein function. In summary, the available evidence is currently insufficient to determine the role of this variant in disease. Therefore, it has been classified as a Variant of Uncertain Significance.

NM_000254.3(MTR):c.347G>A (p.Arg116Gln)

Gene: MTR (5-methyltetrahydrofolate-homocysteine methyltransferase; plus strand). Cytogenetic location: 1q43.
Variant type: single nucleotide variant.
Coding change: c.347G>A on transcript NM_000254.3 (MANE Select); coding-DNA position 347, G replaced by A.
Protein change: p.Arg116Gln; replaces arginine 116 with glutamine.
Molecular consequence: missense variant. On other transcripts: 5 prime UTR variant (1).
Genome position (GRCh38, 1-based): chr1:236,808,711, G>A. VCF-style: chr1-236808711-G-A. GRCh37 (hg19) VCF-style: chr1-236972011-G-A.
Other names: c.347G>A, p.Arg116Gln (NM_001291939.1); c.-762G>A (NM_001291940.2); short protein forms R116Q.
Identifiers: ClinVar variation 1062040 (VCV001062040.4), dbSNP rs1414249194, ClinGen allele CA345382289.